The following is an entry in ClinVar:

ClinVar aggregate classification (germline): Uncertain significance. Review status: criteria provided, multiple submitters, no conflicts (2 of 4 stars). 2 submissions from 2 submitters: Uncertain significance (2). Last evaluated 2024-02-18.

Allele frequency attached by ClinVar (database versions not stated): gnomAD exomes below 0.00001; gnomAD 0.00001.
gnomAD v4.1: 3 of 1,606,644 alleles (0.00019%); highest among the groups gnomAD compares: African/African-American, 0.004%; no homozygotes.

Submissions (2):

GeneDx
Classification: Uncertain significance. Last evaluated: 2024-02-18. Review status: criteria provided, single submitter. Criteria: GeneDx Variant Classification Process June 2021. Collection method: clinical testing. Allele origin: germline. Affected: yes.
Comment: Not observed at significant frequency in large population cohorts (gnomAD); In silico analysis supports that this missense variant does not alter protein structure/function; Has not been previously published as pathogenic or benign to our knowledge

Labcorp Genetics (formerly Invitae), Labcorp
Classification: Uncertain significance. Last evaluated: 2023-12-30. Review status: criteria provided, single submitter. Criteria: Invitae Variant Classification Sherloc (09022015). Collection method: clinical testing. Allele origin: germline.
Comment: This sequence change replaces leucine, which is neutral and non-polar, with valine, which is neutral and non-polar, at codon 160 of the TANGO2 protein (p.Leu160Val). This variant is present in population databases (no rsID available, gnomAD 0.009%). This variant has not been reported in the literature in individuals affected with TANGO2-related conditions. An algorithm developed to predict the effect of missense changes on protein structure and function (PolyPhen-2) suggests that this variant is likely to be disruptive. In summary, the available evidence is currently insufficient to determine the role of this variant in disease. Therefore, it has been classified as a Variant of Uncertain Significance.

NM_152906.7(TANGO2):c.478C>G (p.Leu160Val)

Gene: TANGO2 (transport and golgi organization 2 homolog; plus strand). Cytogenetic location: 22q11.21.
Variant type: single nucleotide variant.
Coding change: c.478C>G on transcript NM_152906.7 (MANE Select); coding-DNA position 478, C replaced by G.
Protein change: p.Leu160Val; replaces leucine 160 with valine.
Molecular consequence: missense variant. On other transcripts: non-coding transcript variant (3), intron variant (4).
Genome position (GRCh38, 1-based): chr22:20,061,556, C>G. VCF-style: chr22-20061556-C-G. GRCh37 (hg19) VCF-style: chr22-20049079-C-G.
Other names: c.478C>G, p.Leu160Val (NM_001283106.3, NM_001283116.3, NM_001283148.3 and 2 more transcripts); c.601C>G, p.Leu201Val (NM_001283129.3, NM_001322141.2, NM_001322143.2 and 1 more transcripts); c.292C>G, p.Leu98Val (NM_001283179.3, NM_001283186.3, NM_001322163.2 and 3 more transcripts); c.184C>G, p.Leu62Val (NM_001283235.3, NM_001322150.2, NM_001322153.2 and 6 more transcripts); c.415C>G, p.Leu139Val (NM_001322145.2, NM_001322147.2); c.376C>G, p.Leu126Val (NM_001322146.2, NM_001322148.2, NM_001322160.2); c.381-1782C>G (NM_001283199.3); c.575-2986C>G (NM_001283215.3); and 3 more; short protein forms L139V, L126V, L98V, L160V, L201V, L62V.
Identifiers: ClinVar variation 2906047 (VCV002906047.2), dbSNP rs1160823727, ClinGen allele CA410699089.